The following is an entry in ClinVar:

NM_002025.4(AFF2):c.3476+1G>A

Gene: AFF2 (ALF transcription elongation factor 2; plus strand). Cytogenetic location: Xq28.
Variant type: single nucleotide variant.
Coding change: c.3476+1G>A on transcript NM_002025.4 (MANE Select); the canonical splice donor site of the intron after coding-DNA position 3476, G replaced by A.
Molecular consequence: splice donor variant.
Genome position (GRCh38, 1-based): chrX:148,978,005, G>A. VCF-style: chrX-148978005-G-A. GRCh37 (hg19) VCF-style: chrX-148059535-G-A.
Other names: c.3371+1G>A (NM_001169124.2, NM_001169122.2); c.3446+1G>A (NM_001169123.2); c.3359+1G>A (NM_001169125.2); c.2399+1G>A (NM_001170628.1).
Identifiers: ClinVar variation 4082297 (VCV004082297.1).

ClinVar aggregate classification (germline): Pathogenic (1 of 4 stars; one submission).

Conditions:
FRAXE. Also called: Fragile XE syndrome; FRAXE Syndrome; FRAXE intellectual disability; Intellectual developmental disorder, X-linked 109; Intellectual disability, X-linked, FRAXE type. Identifiers: Orphanet 100973, MedGen C0751157, MONDO:0010659, OMIM 309548. Disease mechanism: loss of function.

Submission:

Medical Genetics Center, Maternal and Child Health Hospital of Hubei Province
Classification: Pathogenic for FRAXE. Last evaluated: 2022-07-28. Review status: criteria provided, single submitter. Criteria: ACMG Guidelines, 2015. Collection method: clinical testing. Allele origin: de novo. Affected: yes.
Comment: PVS1 + PS2 + PM2